The following is an entry in ClinVar:

ClinVar aggregate classification (germline): Likely pathogenic (1 of 4 stars; one submission).

Submission:

GeneDx
Classification: Likely pathogenic. Last evaluated: 2017-10-10. Review status: criteria provided, single submitter. Criteria: GeneDx Variant Classification (06012015). Collection method: clinical testing. Allele origin: germline. Affected: yes.
Comment: The c.1591dupG variant in the MASP1 gene has not been reported previously as a pathogenic variant nor as a benign variant, to our knowledge. The c.1591dupG variant causes a frameshift starting with codon Alanine 531, changes this amino acid to a Glycine residue, and creates a premature Stop codon at position 48 of the new reading frame, denoted p.Ala531GlyfsX48. This variant is predicted to cause loss of normal protein function through protein truncation as the last 198 amino acids are replaced with 47 incorrect amino acids. The c.1591dupG variant is not observed in large population cohorts (Lek et al., 2016). We interpret c.1591dupG as a likely pathogenic variant.

NM_139125.4(MASP1):c.1591dup (p.Ala531fs)

Gene: MASP1 (MBL associated serine protease 1; minus strand). Cytogenetic location: 3q27.3.
Variant type: Duplication.
Coding change: c.1591dup on transcript NM_139125.4 (MANE Select); coding-DNA position 1591, one base duplicated (G; older notation c.1591dupG).
Protein change: p.Ala531fs; shifts the reading frame from alanine 531.
Molecular consequence: frameshift variant. On other transcripts: non-coding transcript variant (1), intron variant (1).
Genome position (GRCh38, 1-based): chr3:187,236,280, C duplicated on the plus strand (G on the coding strand, the reverse complement: MASP1 is on the minus strand); the first of 5 consecutive C bases (chr3:187,236,280-187,236,284); duplicating any one gives the same sequence. VCF-style (leftmost placement, unchanged base first): chr3-187236279-G-GC. GRCh37 (hg19) VCF-style: chr3-186954067-G-GC.
Other names: c.1303+5201dup (NM_001879.6); c.1591dupG (NM_139125.3); short protein forms A531fs.
Identifiers: ClinVar variation 449778 (VCV000449778.2), dbSNP rs1553852691, ClinGen allele CA658657359.